The following is an entry in ClinVar:

NM_001378328.1(CELSR1):c.5786C>T (p.Pro1929Leu)

Gene: CELSR1 (cadherin EGF LAG seven-pass G-type receptor 1; minus strand). Cytogenetic location: 22q13.31.
Variant type: single nucleotide variant.
Coding change: c.5786C>T on transcript NM_001378328.1 (MANE Select); coding-DNA position 5786, C replaced by T.
Protein change: p.Pro1929Leu; replaces proline 1929 with leucine.
Molecular consequence: missense variant.
Genome position (GRCh38, 1-based): chr22:46,396,662, G>A on the plus strand (C>T on the coding strand, the complement: CELSR1 is on the minus strand). VCF-style: chr22-46396662-G-A. GRCh37 (hg19) VCF-style: chr22-46792559-G-A.
Other names: c.5786C>T, p.Pro1929Leu (NM_014246.4); short protein forms P1929L.
Identifiers: ClinVar variation 1320720 (VCV001320720.3), dbSNP rs374468252, ClinGen allele CA10294090.

ClinVar aggregate classification (germline): Uncertain significance. Review status: criteria provided, multiple submitters, no conflicts (2 of 4 stars). 2 submissions from 2 submitters: Uncertain significance (2). Last evaluated 2025-01-20.

Allele frequency attached by ClinVar (database versions not stated): ESP Exome Variant Server 0.00008; gnomAD 0.00008 and 0.00009; TOPMed 0.00008.
gnomAD v4.1: 136 of 1,612,048 alleles (0.0084%); highest among the groups gnomAD compares: Admixed American, 0.015%; no homozygotes.

Submissions (2):

Ambry Genetics
Classification: Uncertain significance. Last evaluated: 2025-01-20. Review status: criteria provided, single submitter. Criteria: Ambry Variant Classification Scheme 2023. Collection method: clinical testing. Allele origin: germline.

GeneDx
Classification: Uncertain significance. Last evaluated: 2020-01-02. Review status: criteria provided, single submitter. Criteria: GeneDx Variant Classification Process June 2021. Collection method: clinical testing. Allele origin: germline. Affected: yes.
Comment: In silico analysis, which includes protein predictors and evolutionary conservation, supports a deleterious effect; Has not been previously published as pathogenic or benign to our knowledge